The following is an entry in ClinVar:

NM_001184900.3(CARD8):c.1376G>A (p.Arg459Gln)

Gene: CARD8 (caspase recruitment domain family member 8; minus strand). Cytogenetic location: 19q13.33.
Variant type: single nucleotide variant.
Coding change: c.1376G>A on transcript NM_001184900.3 (MANE Select); coding-DNA position 1376, G replaced by A.
Protein change: p.Arg459Gln; replaces arginine 459 with glutamine.
Molecular consequence: missense variant. On other transcripts: 3 prime UTR variant (7), non-coding transcript variant (3), intron variant (1).
Genome position (GRCh38, 1-based): chr19:48,211,948, C>T on the plus strand (G>A on the coding strand, the complement: CARD8 is on the minus strand). VCF-style: chr19-48211948-C-T. GRCh37 (hg19) VCF-style: chr19-48715205-C-T.
Other names: c.1376G>A (NM_001184900.1); c.1226G>A, p.Arg409Gln (NM_001184901.1, NM_001351783.2, NM_014959.5); c.*55G>A (NM_001184902.2, NM_001184903.1, NM_001351788.2 and 4 more transcripts); c.1376G>A, p.Arg459Gln (NM_001351782.2); c.1061G>A, p.Arg354Gln (NM_001351784.2); c.1040G>A, p.Arg347Gln (NM_001351786.2); c.1058G>A, p.Arg353Gln (NM_001365950.1); c.1033+3392G>A (NM_001351787.2); short protein forms R353Q, R409Q, R347Q, R354Q, R459Q.
Identifiers: ClinVar variation 2145577 (VCV002145577.7), dbSNP rs141801097, ClinGen allele CA9547703.

ClinVar aggregate classification (germline): Uncertain significance. Review status: criteria provided, multiple submitters, no conflicts (2 of 4 stars). 2 submissions from 2 submitters: Uncertain significance (2). Last evaluated 2025-12-28.

Allele frequency attached by ClinVar (database versions not stated): gnomAD exomes 0.00002; gnomAD 0.00004; ExAC 0.00006; TOPMed 0.00006; ESP Exome Variant Server 0.00008.
gnomAD v4.1: 40 of 1,613,856 alleles (0.0025%); highest among the groups gnomAD compares: East Asian, 0.038%; no homozygotes.

Submissions (2):

Labcorp Genetics (formerly Invitae), Labcorp
Classification: Uncertain significance. Last evaluated: 2025-12-28. Review status: criteria provided, single submitter. Criteria: Invitae Variant Classification Sherloc (09022015). Collection method: clinical testing. Allele origin: germline.
Comment: This sequence change replaces arginine, which is basic and polar, with glutamine, which is neutral and polar, at codon 409 of the CARD8 protein (p.Arg409Gln). This variant is present in population databases (rs141801097, gnomAD 0.08%), and has an allele count higher than expected for a pathogenic variant. This variant has not been reported in the literature in individuals affected with CARD8-related conditions. ClinVar contains an entry for this variant (Variation ID: 2145577). An algorithm developed to predict the effect of missense changes on protein structure and function outputs the following: PolyPhen-2: "Probably Damaging". The glutamine amino acid residue is found in multiple mammalian species, which suggests that this missense change does not adversely affect protein function. In summary, the available evidence is currently insufficient to determine the role of this variant in disease. Therefore, it has been classified as a Variant of Uncertain Significance.

Ambry Genetics
Classification: Uncertain significance. Last evaluated: 2025-05-01. Review status: criteria provided, single submitter. Criteria: Ambry Variant Classification Scheme 2023. Collection method: clinical testing. Allele origin: germline.